The following is an entry in ClinVar:

NM_001042492.3(NF1):c.3088_3089del (p.Ser1030fs)

Gene: NF1 (neurofibromin 1; plus strand). Cytogenetic location: 17q11.2.
Variant type: Microsatellite.
Coding change: c.3088_3089del on transcript NM_001042492.3 (MANE Select); coding-DNA positions 3088 to 3089, 2 bases deleted (TC; older notation c.3088_3089delTC).
Protein change: p.Ser1030fs; shifts the reading frame from serine 1030.
Molecular consequence: frameshift variant.
Genome position (GRCh38, 1-based): chr17:31,230,357-31,230,358, TC deleted; deleting any 2 consecutive bases within chr17:31,230,354-31,230,358 gives the same sequence; the c. name uses the placement nearest the transcript's 3' end. VCF-style (leftmost placement, unchanged base first): chr17-31230353-CCT-C. GRCh37 (hg19) VCF-style: chr17-29557371-CCT-C.
Other names: c.3086_3087TC[1], p.Ser1030Ilefs (NM_000267.4); short protein forms S1030fs.
Identifiers: ClinVar variation 1372081 (VCV001372081.9), dbSNP rs2067092561, ClinGen allele CA2580614051.

ClinVar aggregate classification (germline): Pathogenic. Review status: criteria provided, multiple submitters, no conflicts (2 of 4 stars). 2 submissions from 2 submitters: Pathogenic (2). Last evaluated 2023-10-30.

Conditions:
Neurofibromatosis, type 1 (NF1). Also called: Peripheral type neurofibromatosis; Neurofibromatosis, type I; NEUROFIBROMATOSIS, TYPE I, SOMATIC; VON RECKLINGHAUSEN DISEASE. Identifiers: Orphanet 636, MedGen C0027831, MONDO:0018975, OMIM 162200. Disease mechanism: loss of function.

Submissions (2):

GeneDx
Classification: Pathogenic. Last evaluated: 2023-10-30. Review status: criteria provided, single submitter. Criteria: GeneDx Variant Classification Process June 2021. Collection method: clinical testing. Allele origin: germline. Affected: yes.
Comment: Frameshift variant predicted to result in protein truncation or nonsense mediated decay in a gene for which loss of function is a known mechanism of disease; Not observed at significant frequency in large population cohorts (gnomAD); This variant is associated with the following publications: (PMID: 27838393, 26962827)

Labcorp Genetics (formerly Invitae), Labcorp
Classification: Pathogenic for Neurofibromatosis, type 1. Last evaluated: 2022-05-19. Review status: criteria provided, single submitter. Criteria: Invitae Variant Classification Sherloc (09022015). Collection method: clinical testing. Allele origin: germline.
Comment: For these reasons, this variant has been classified as Pathogenic. This premature translational stop signal has been observed in individual(s) with neurofibromatosis type 1 (PMID: 26962827, 27838393). This variant is not present in population databases (gnomAD no frequency). This sequence change creates a premature translational stop signal (p.Ser1030Ilefs*8) in the NF1 gene. It is expected to result in an absent or disrupted protein product. Loss-of-function variants in NF1 are known to be pathogenic (PMID: 10712197, 23913538).

Literature cited by the submitters: PubMed 26962827 (cited by Labcorp Genetics (formerly Invitae), Labcorp); PubMed 27838393 (cited by Labcorp Genetics (formerly Invitae), Labcorp); PubMed 10712197 (cited by Labcorp Genetics (formerly Invitae), Labcorp); PubMed 23913538 (cited by Labcorp Genetics (formerly Invitae), Labcorp).